The following is an entry in ClinVar:

ClinVar aggregate classification (germline): Uncertain significance (1 of 4 stars; one submission).

Allele frequency attached by ClinVar (database versions not stated): gnomAD exomes below 0.00001.
gnomAD v4.1: 2 of 1,054,308 alleles (0.00019%); highest among the groups gnomAD compares: Non-Finnish European, 0.00023%; no homozygotes.

Submission:

GeneDx
Classification: Uncertain significance. Last evaluated: 2022-04-28. Review status: criteria provided, single submitter. Criteria: GeneDx Variant Classification Process June 2021. Collection method: clinical testing. Allele origin: germline. Affected: yes.
Comment: Not observed at significant frequency in large population cohorts (gnomAD); In silico analysis supports that this missense variant does not alter protein structure/function; Has not been previously published as pathogenic or benign to our knowledge

NM_007118.4(TRIO):c.6905G>T (p.Ser2302Ile)

Gene: TRIO (trio Rho guanine nucleotide exchange factor; plus strand). Cytogenetic location: 5p15.2.
Variant type: single nucleotide variant.
Coding change: c.6905G>T on transcript NM_007118.4 (MANE Select); coding-DNA position 6905, G replaced by T.
Protein change: p.Ser2302Ile; replaces serine 2302 with isoleucine.
Molecular consequence: missense variant. On other transcripts: non-coding transcript variant (1).
Genome position (GRCh38, 1-based): chr5:14,487,533, G>T. VCF-style: chr5-14487533-G-T. GRCh37 (hg19) VCF-style: chr5-14487642-G-T.
Other names: short protein forms S2302I.
Identifiers: ClinVar variation 1712734 (VCV001712734.2), dbSNP rs2477462762, ClinGen allele CA359236408.